The following is an entry in ClinVar:

NM_203290.4(POLR1C):c.733G>A (p.Val245Met)

Gene: POLR1C (RNA polymerase I and III subunit C; plus strand). Cytogenetic location: 6p21.1.
Variant type: single nucleotide variant.
Coding change: c.733G>A on transcript NM_203290.4 (MANE Select); coding-DNA position 733, G replaced by A.
Protein change: p.Val245Met; replaces valine 245 with methionine.
Molecular consequence: missense variant.
Genome position (GRCh38, 1-based): chr6:43,520,702, G>A. VCF-style: chr6-43520702-G-A. GRCh37 (hg19) VCF-style: chr6-43488440-G-A.
Other names: c.733G>A, p.Val245Met (NM_001318876.2, NM_001363658.2); short protein forms V245M.
Identifiers: ClinVar variation 635149 (VCV000635149.11), dbSNP rs772343871, ClinGen allele CA3825555.

ClinVar aggregate classification (germline): Conflicting classifications of pathogenicity. Review status: criteria provided, conflicting classifications (1 of 4 stars). 2 submissions from 2 submitters: Pathogenic (1); Uncertain significance (1). Last evaluated 2023-07-17.

Conditions:
Leukodystrophy, hypomyelinating, 11. Identifiers: Orphanet 88637, MedGen C4225305, MONDO:0014666, OMIM 616494.

Allele frequency attached by ClinVar (database versions not stated): gnomAD exomes below 0.00001 and 0.00002; TOPMed 0.00001; ExAC 0.00003; gnomAD 0.00003 and 0.00004.
gnomAD v4.1: 11 of 1,614,050 alleles (0.00068%); highest among the groups gnomAD compares: African/African-American, 0.0067%; no homozygotes.

Submissions (2):

Labcorp Genetics (formerly Invitae), Labcorp
Classification: Uncertain significance. Last evaluated: 2023-07-17. Review status: criteria provided, single submitter. Criteria: Invitae Variant Classification Sherloc (09022015). Collection method: clinical testing. Allele origin: germline.
Comment: This variant is present in population databases (rs772343871, gnomAD 0.02%). This sequence change replaces valine, which is neutral and non-polar, with methionine, which is neutral and non-polar, at codon 245 of the POLR1C protein (p.Val245Met). In summary, the available evidence is currently insufficient to determine the role of this variant in disease. Therefore, it has been classified as a Variant of Uncertain Significance. Advanced modeling of protein sequence and biophysical properties (such as structural, functional, and spatial information, amino acid conservation, physicochemical variation, residue mobility, and thermodynamic stability) performed at Invitae indicates that this missense variant is not expected to disrupt POLR1C protein function. ClinVar contains an entry for this variant (Variation ID: 635149). This missense change has been observed in individual(s) with hypomyelinating leukodystrophy (PMID: 32042905).

MyeliNeuroGene Lab, McGill University Health Center Research Institute
Classification: Pathogenic for Leukodystrophy, hypomyelinating, 11. Review status: criteria provided, single submitter. Criteria: ACMG Guidelines, 2015. Collection method: research. Allele origin: inherited. Inheritance: Autosomal recessive inheritance. Affected: no.

Literature cited by the submitters: PubMed 32042905 (cited by Labcorp Genetics (formerly Invitae), Labcorp); PubMed 610060 (cited by MyeliNeuroGene Lab, McGill University Health Center Research Institute).